The following is an entry in ClinVar:

NM_002878.4(RAD51D):c.269A>G (p.Asp90Gly)

Genes: RAD51L3-RFFL (RAD51L3-RFFL readthrough; minus strand), RAD51D (RAD51 paralog D; minus strand). Cytogenetic location: 17q12.
Variant type: single nucleotide variant.
Coding change: c.269A>G on transcript NM_002878.4 (MANE Select); coding-DNA position 269, A replaced by G.
Protein change: p.Asp90Gly; replaces aspartic acid 90 with glycine.
Molecular consequence: missense variant. On other transcripts: non-coding transcript variant (2), intron variant (1).
Genome position (GRCh38, 1-based): chr17:35,107,442, T>C on the plus strand (A>G on the coding strand, the complement: RAD51D is on the minus strand). VCF-style: chr17-35107442-T-C. GRCh37 (hg19) VCF-style: chr17-33434461-T-C.
Other names: c.329A>G, p.Asp110Gly (NM_001142571.2); c.145-961A>G (NM_133629.3); short protein forms D110G, D90G.
Identifiers: ClinVar variation 1098879 (VCV001098879.6), dbSNP rs2142437395, ClinGen allele CA399090026.
Genomic context (GRCh38, chr17:35,107,442, plus strand): 5'-CCTGGGCCTCCTACAATTTCAGTCACTTCTCCAGTATAGAGACCAGCATCAAGCAGTTTA[T>C]CAAGACTGATGGCAGAAGAGAAGAAAATCAACACAAGAGGTTAGGAGGAAGACAGGGGAA-3'
Protein context (NP_002869.3, residues 80-100): AILSTGIGSL[Asp90Gly]KLLDAGLYTG

ClinVar aggregate classification (germline): Uncertain significance. Review status: criteria provided, multiple submitters, no conflicts (2 of 4 stars). 4 submissions from 4 submitters: Uncertain significance (4). Last evaluated 2025-04-29.

Conditions:
Hereditary cancer-predisposing syndrome. Also called: Tumor predisposition; Hereditary neoplastic syndrome; Hereditary Cancer Syndrome; Neoplastic Syndromes, Hereditary. Identifiers: Orphanet 140162, MedGen C0027672, MeSH D009386, MONDO:0015356.
Breast-ovarian cancer, familial, susceptibility to, 4. Identifiers: Orphanet 145, MedGen C3280345, MONDO:0013669, OMIM 614291.

Allele frequency attached by ClinVar (database versions not stated): gnomAD exomes below 0.00001.

Submissions (4):

Molecular Diagnostics Laboratory, Catalan Institute of Oncology
Classification: Uncertain significance for Hereditary cancer-predisposing syndrome. Last evaluated: 2025-04-29. Review status: criteria provided, single submitter. Criteria: ACMG Guidelines, 2015. Collection method: clinical testing. Allele origin: germline.
Comment: PM2_Supporting, PP3_Moderate c.269A>G, located in exon 4 of the RAD51D gene, is predicted to result in the substitution of aspartic acid by glycine at codon 90, p.(Asp90Gly). It is not present in the population database gnomAD v2.1.1, non cancer dataset (PM2_supporting). The SpliceAI algorithm predicts no significant impact on splicing and the REVEL meta-predictor score for this variant (0.891) suggests a deleterious effect on protein function according to Pejaver 2022 thresholds (PMID: 36413997) (PP3_Moderate). To our knowledge, neither relevant clinical data nor well-stablished functional studies have been reported for this variant. It has only been reported in ClinVar database (3x uncertain significance). Based on the currently available information, c.269A>G is classified as an uncertain significance variant according to ACMG guidelines.

Labcorp Genetics (formerly Invitae), Labcorp
Classification: Uncertain significance for Breast-ovarian cancer, familial, susceptibility to, 4. Last evaluated: 2024-08-31. Review status: criteria provided, single submitter. Criteria: Invitae Variant Classification Sherloc (09022015). Collection method: clinical testing. Allele origin: germline.
Comment: This sequence change replaces aspartic acid, which is acidic and polar, with glycine, which is neutral and non-polar, at codon 90 of the RAD51D protein (p.Asp90Gly). This variant is not present in population databases (gnomAD no frequency). This variant has not been reported in the literature in individuals affected with RAD51D-related conditions. ClinVar contains an entry for this variant (Variation ID: 1098879). Invitae Evidence Modeling of protein sequence and biophysical properties (such as structural, functional, and spatial information, amino acid conservation, physicochemical variation, residue mobility, and thermodynamic stability) indicates that this missense variant is expected to disrupt RAD51D protein function with a positive predictive value of 80%. In summary, the available evidence is currently insufficient to determine the role of this variant in disease. Therefore, it has been classified as a Variant of Uncertain Significance.

Hereditary Cancer Group, L’Institut d'Investigació Biomèdica de Bellvitge
Classification: Uncertain significance for Breast-ovarian cancer, familial, susceptibility to, 4. Last evaluated: 2021-05-10. Review status: criteria provided, single submitter. Criteria: ACMG Guidelines, 2015. Collection method: curation. Allele origin: germline.

Ambry Genetics
Classification: Uncertain significance for Hereditary cancer-predisposing syndrome. Last evaluated: 2019-04-12. Review status: criteria provided, single submitter. Criteria: Ambry Variant Classification Scheme 2023. Collection method: clinical testing. Allele origin: germline.
Comment: The p.D90G variant (also known as c.269A>G), located in coding exon 4 of the RAD51D gene, results from an A to G substitution at nucleotide position 269. The aspartic acid at codon 90 is replaced by glycine, an amino acid with similar properties. This amino acid position is highly conserved in available vertebrate species. In addition, this alteration is predicted to be deleterious by in silico analysis. Since supporting evidence is limited at this time, the clinical significance of this alteration remains unclear.

Literature cited by the submitters: PubMed 31206626 (cited by Hereditary Cancer Group, L’Institut d'Investigació Biomèdica de Bellvitge).